The following is an entry in ClinVar:

NM_015599.3(PGM3):c.1020A>C (p.Glu340Asp)

Gene: PGM3 (phosphoglucomutase 3; minus strand). Cytogenetic location: 6q14.1.
Variant type: single nucleotide variant.
Coding change: c.1020A>C on transcript NM_015599.3 (MANE Select); coding-DNA position 1020, A replaced by C.
Protein change: p.Glu340Asp; replaces glutamic acid 340 with aspartic acid.
Molecular consequence: missense variant. On other transcripts: non-coding transcript variant (1).
Genome position (GRCh38, 1-based): chr6:83,178,682, T>G on the plus strand (A>C on the coding strand, the complement: PGM3 is on the minus strand). VCF-style: chr6-83178682-T-G. GRCh37 (hg19) VCF-style: chr6-83888401-T-G.
Other names: c.1104A>C, p.Glu368Asp (NM_001199917.2, NM_001367287.1); c.777A>C, p.Glu259Asp (NM_001199918.2); c.1020A>C, p.Glu340Asp (NM_001199919.2, NM_001367286.1); short protein forms E259D, E340D, E368D.
Identifiers: ClinVar variation 848985 (VCV000848985.6), dbSNP rs200381959, ClinGen allele CA3906632.

ClinVar aggregate classification (germline): Uncertain significance (1 of 4 stars; one submission).

Conditions:
Immunodeficiency 23 (IMD23). Also called: IMMUNODEFICIENCY WITH HYPER IgE AND COGNITIVE IMPAIRMENT; IMMUNODEFICIENCY-VASCULITIS-MYOCLONUS SYNDROME. Identifiers: Orphanet 443811, MedGen C4014371, MONDO:0014353, OMIM 615816.

Allele frequency attached by ClinVar (database versions not stated): gnomAD 0.00004 and 0.00005; gnomAD exomes 0.00006 and 0.00012; TOPMed 0.00008; ExAC 0.00013; 1000 Genomes Project 0.00040; 1000 Genomes Project 30x 0.00047.
gnomAD v4.1: 101 of 1,588,350 alleles (0.0064%); highest among the groups gnomAD compares: East Asian, 0.22%; no homozygotes.

Submission:

Labcorp Genetics (formerly Invitae), Labcorp
Classification: Uncertain significance for Immunodeficiency 23. Last evaluated: 2025-01-17. Review status: criteria provided, single submitter. Criteria: Invitae Variant Classification Sherloc (09022015). Collection method: clinical testing. Allele origin: germline.
Comment: This sequence change replaces glutamic acid, which is acidic and polar, with aspartic acid, which is acidic and polar, at codon 368 of the PGM3 protein (p.Glu368Asp). This variant is present in population databases (rs200381959, gnomAD 0.2%). This variant has not been reported in the literature in individuals affected with PGM3-related conditions. ClinVar contains an entry for this variant (Variation ID: 848985). An algorithm developed to predict the effect of missense changes on protein structure and function outputs the following: PolyPhen-2: "Benign". The aspartic acid amino acid residue is found in multiple mammalian species, which suggests that this missense change does not adversely affect protein function. In summary, the available evidence is currently insufficient to determine the role of this variant in disease. Therefore, it has been classified as a Variant of Uncertain Significance.